The following is an entry in ClinVar:

ClinVar aggregate classification (germline): Uncertain significance (1 of 4 stars; one submission).

Allele frequency attached by ClinVar (database versions not stated): gnomAD exomes below 0.00001.
gnomAD v4.1: 1 of 1,211,324 alleles (0.000083%); highest among the groups gnomAD compares: Admixed American, 0.0022%; no homozygotes.

Submission:

Labcorp Genetics (formerly Invitae), Labcorp
Classification: Uncertain significance. Last evaluated: 2025-06-12. Review status: criteria provided, single submitter. Criteria: Invitae Variant Classification Sherloc (09022015). Collection method: clinical testing. Allele origin: germline.
Comment: This sequence change replaces lysine, which is basic and polar, with glutamic acid, which is acidic and polar, at codon 375 of the TBC1D8B protein (p.Lys375Glu). This variant is not present in population databases (gnomAD no frequency). This variant has not been reported in the literature in individuals affected with TBC1D8B-related conditions. ClinVar contains an entry for this variant (Variation ID: 2050783). An algorithm developed to predict the effect of missense changes on protein structure and function outputs the following: PolyPhen-2: "Benign". The glutamic acid amino acid residue is found in multiple mammalian species, which suggests that this missense change does not adversely affect protein function. In summary, the available evidence is currently insufficient to determine the role of this variant in disease. Therefore, it has been classified as a Variant of Uncertain Significance.

NM_017752.3(TBC1D8B):c.1123A>G (p.Lys375Glu)

Gene: TBC1D8B (TBC1 domain family member 8B; plus strand). Cytogenetic location: Xq22.3.
Variant type: single nucleotide variant.
Coding change: c.1123A>G on transcript NM_017752.3 (MANE Select); coding-DNA position 1123, A replaced by G.
Protein change: p.Lys375Glu; replaces lysine 375 with glutamic acid.
Molecular consequence: missense variant.
Genome position (GRCh38, 1-based): chrX:106,827,257, A>G. VCF-style: chrX-106827257-A-G. GRCh37 (hg19) VCF-style: chrX-106070487-A-G.
Other names: c.1123A>G, p.Lys375Glu (NM_198881.2); short protein forms K375E.
Identifiers: ClinVar variation 2050783 (VCV002050783.4), dbSNP rs2521582591, ClinGen allele CA413796724.
Genomic context (GRCh38, chrX:106,827,257, plus strand): 5'-TCCAGCAAATCTGTCATCATTAGCATCAAAGGAAAAACAGCTTTTCGCTTCCATGAAGTT[A>G]AAGACTTTGAACAACTGGTAGCAAAACTCAGGCTCAGATGCGGAGCAGCTTCAACTCAAT-3'
Protein context (NP_060222.2, residues 365-385): GKTAFRFHEV[Lys375Glu]DFEQLVAKLR